The following is an entry in ClinVar:

NM_020778.4(ALPK3):c.389C>T

Gene: ALPK3 (alpha kinase 3; plus strand). Cytogenetic location: 15q25.3.
Variant type: single nucleotide variant.
Coding change: c.389C>T on transcript NM_020778.4; coding-DNA position 389, C replaced by T.
Genome position (GRCh38, 1-based): chr15:84,817,235, C>T. VCF-style: chr15-84817235-C-T. GRCh37 (hg19) VCF-style: chr15-85360466-C-T.
Identifiers: ClinVar variation 4926222 (VCV004926222.2).

ClinVar aggregate classification (germline): Conflicting classifications of pathogenicity. Review status: criteria provided, conflicting classifications (1 of 4 stars). 2 submissions from 2 submitters: Uncertain significance (1); Likely benign (1). Last evaluated 2026-07-13.

Conditions:
Cardiovascular phenotype. Identifiers: MedGen CN230736.

Submissions (2):

Ambry Genetics
Classification: Uncertain significance for Cardiovascular phenotype. Last evaluated: 2026-07-13. Review status: criteria provided, single submitter. Criteria: Ambry Variant Classification Scheme 2023. Collection method: clinical testing. Allele origin: germline.
Comment: The p.P130L variant (also known as c.389C>T), located in coding exon 1 of the ALPK3 gene, results from a C to T substitution at nucleotide position 389. The proline at codon 130 is replaced by leucine, an amino acid with similar properties. This amino acid position is conserved. In addition, this alteration is predicted to be tolerated by in silico analysis. Based on the available evidence, the clinical significance of this variant remains unclear.

Blueprint Genetics
Classification: Likely benign. Last evaluated: 2023-09-08. Review status: criteria provided, single submitter. Criteria: ACMG Guidelines, 2015. Collection method: clinical testing. Allele origin: germline.